The following is an entry in ClinVar:

ClinVar aggregate classification (germline): Uncertain significance. Review status: criteria provided, multiple submitters, no conflicts (2 of 4 stars). 2 submissions from 2 submitters: Uncertain significance (2). Last evaluated 2024-11-14.

Conditions:
Neurodevelopmental disorder with or without hyperkinetic movements and seizures, autosomal dominant. Also called: Intellectual disability, autosomal dominant 8. Identifiers: MedGen C3280282, MONDO:0013655, OMIM 614254.

Allele frequency attached by ClinVar (database versions not stated): ExAC 0.00001.
gnomAD v4.1: 20 of 1,613,202 alleles (0.0012%); highest among the groups gnomAD compares: Admixed American, 0.0067%; no homozygotes.

Submissions (2):

GeneDx
Classification: Uncertain significance. Last evaluated: 2024-11-14. Review status: criteria provided, single submitter. Criteria: GeneDx Variant Classification Process June 2021. Collection method: clinical testing. Allele origin: germline. Affected: yes.
Comment: In silico analysis supports that this missense variant has a deleterious effect on protein structure/function; Has not been previously published as pathogenic or benign to our knowledge

Labcorp Genetics (formerly Invitae), Labcorp
Classification: Uncertain significance for Neurodevelopmental disorder with or without hyperkinetic movements and seizures, autosomal dominant. Last evaluated: 2023-01-30. Review status: criteria provided, single submitter. Criteria: Invitae Variant Classification Sherloc (09022015). Collection method: clinical testing. Allele origin: germline.
Comment: This variant has not been reported in the literature in individuals affected with GRIN1-related conditions. ClinVar contains an entry for this variant (Variation ID: 1382228). Advanced modeling of protein sequence and biophysical properties (such as structural, functional, and spatial information, amino acid conservation, physicochemical variation, residue mobility, and thermodynamic stability) has been performed at Invitae for this missense variant, however the output from this modeling did not meet the statistical confidence thresholds required to predict the impact of this variant on GRIN1 protein function. In summary, the available evidence is currently insufficient to determine the role of this variant in disease. Therefore, it has been classified as a Variant of Uncertain Significance. This variant is present in population databases (rs747555101, gnomAD 0.009%). This sequence change replaces arginine, which is basic and polar, with histidine, which is basic and polar, at codon 139 of the GRIN1 protein (p.Arg139His).

NM_007327.4(GRIN1):c.416G>A (p.Arg139His)

Gene: GRIN1 (glutamate ionotropic receptor NMDA type subunit 1; plus strand). Cytogenetic location: 9q34.3.
Variant type: single nucleotide variant.
Coding change: c.416G>A on transcript NM_007327.4 (MANE Select); coding-DNA position 416, G replaced by A.
Protein change: p.Arg139His; replaces arginine 139 with histidine.
Molecular consequence: missense variant.
Genome position (GRCh38, 1-based): chr9:137,145,748, G>A. VCF-style: chr9-137145748-G-A. GRCh37 (hg19) VCF-style: chr9-140040200-G-A.
Other names: c.416G>A (NM_007327.3); c.416G>A, p.Arg139His (NM_000832.7, NM_001185090.2, NM_001185091.2 and 1 more transcripts); short protein forms R139H.
Identifiers: ClinVar variation 1382228 (VCV001382228.9), dbSNP rs747555101, ClinGen allele CA5360654.